The following is an entry in ClinVar:

ClinVar aggregate classification (germline): Uncertain significance. Review status: criteria provided, multiple submitters, no conflicts (2 of 4 stars). 2 submissions from 2 submitters: Uncertain significance (2). Last evaluated 2020-03-23.

Conditions:
Long QT syndrome (LQTS). Identifiers: MedGen C0023976, MeSH D008133, MONDO:0002442. Disease mechanism: loss of function. Inheritance: Various modes of inheritance.
Cardiovascular phenotype. Identifiers: MedGen CN230736.

Submissions (2):

Ambry Genetics
Classification: Uncertain significance for Cardiovascular phenotype. Last evaluated: 2020-03-23. Review status: criteria provided, single submitter. Criteria: Ambry Variant Classification Scheme 2023. Collection method: clinical testing. Allele origin: germline.
Comment: The p.E284G variant (also known as c.851A>G), located in coding exon 6 of the KCNQ1 gene, results from an A to G substitution at nucleotide position 851. The glutamic acid at codon 284 is replaced by glycine, an amino acid with similar properties. This amino acid position is highly conserved in available vertebrate species. In addition, this alteration is predicted to be deleterious by in silico analysis. Since supporting evidence is limited at this time, the clinical significance of this alteration remains unclear.

Labcorp Genetics (formerly Invitae), Labcorp
Classification: Uncertain significance for Long QT syndrome. Last evaluated: 2019-11-11. Review status: criteria provided, single submitter. Criteria: Invitae Variant Classification Sherloc (09022015). Collection method: clinical testing. Allele origin: germline.
Comment: In summary, the available evidence is currently insufficient to determine the role of this variant in disease. Therefore, it has been classified as a Variant of Uncertain Significance. Algorithms developed to predict the effect of missense changes on protein structure and function (SIFT, PolyPhen-2, Align-GVGD) all suggest that this variant is likely to be disruptive, but these predictions have not been confirmed by published functional studies and their clinical significance is uncertain. This variant has not been reported in the literature in individuals with KCNQ1-related conditions. This variant is not present in population databases (ExAC no frequency). This sequence change replaces glutamic acid with glycine at codon 284 of the KCNQ1 protein (p.Glu284Gly). The glutamic acid residue is highly conserved and there is a moderate physicochemical difference between glutamic acid and glycine.

NM_000218.3(KCNQ1):c.851A>G (p.Glu284Gly)

Gene: KCNQ1 (potassium voltage-gated channel subfamily Q member 1; plus strand). Cytogenetic location: 11p15.5.
Variant type: single nucleotide variant.
Coding change: c.851A>G on transcript NM_000218.3 (MANE Select); coding-DNA position 851, A replaced by G.
Protein change: p.Glu284Gly; replaces glutamic acid 284 with glycine.
Molecular consequence: missense variant.
Genome position (GRCh38, 1-based): chr11:2,572,916, A>G. VCF-style: chr11-2572916-A-G. GRCh37 (hg19) VCF-style: chr11-2594146-A-G.
Other names: c.851A>G, p.Glu284Gly (NM_001406836.1); c.581A>G, p.Glu194Gly (NM_001406837.1); c.470A>G, p.Glu157Gly (NM_181798.2); short protein forms E284G, E157G, E194G.
Identifiers: ClinVar variation 965412 (VCV000965412.13), dbSNP rs1848362105, ClinGen allele CA379131519.